The following is an entry in ClinVar:

ClinVar aggregate classification (germline): Uncertain significance (0 of 4 stars; one submission).

Conditions:
CADPS2-related disorder. Also called: CADPS2-related condition.

Submission:

PreventionGenetics, part of Exact Sciences
Classification: Uncertain significance for CADPS2-related condition. Last evaluated: 2024-05-31. Review status: no assertion criteria provided. Collection method: clinical testing. Allele origin: germline.
Comment: The CADPS2 c.1667G>C variant is predicted to result in the amino acid substitution p.Cys556Ser. To our knowledge, this variant has not been reported in the literature or in gnomAD, indicating this variant is rare. At this time, the clinical significance of this variant is uncertain due to the absence of conclusive functional and genetic evidence.

NM_017954.11(CADPS2):c.1667G>C (p.Cys556Ser)

Gene: CADPS2 (calcium dependent secretion activator 2; minus strand). Cytogenetic location: 7q31.32.
Variant type: single nucleotide variant.
Coding change: c.1667G>C on transcript NM_017954.11 (MANE Select); coding-DNA position 1667, G replaced by C.
Protein change: p.Cys556Ser; replaces cysteine 556 with serine.
Molecular consequence: missense variant.
Genome position (GRCh38, 1-based): chr7:122,490,266, C>G on the plus strand (G>C on the coding strand, the complement: CADPS2 is on the minus strand). VCF-style: chr7-122490266-C-G. GRCh37 (hg19) VCF-style: chr7-122130320-C-G.
Other names: c.1667G>C, p.Cys556Ser (NM_001009571.4, NM_001167940.2, NM_001363389.2 and 9 more transcripts); c.1184G>C, p.Cys395Ser (NM_001363399.2, NM_001363400.2); short protein forms C395S, C556S.
Identifiers: ClinVar variation 3345720 (VCV003345720.1).
Genomic context (GRCh38, chr7:122,490,266, plus strand): 5'-TGTTCATCATCACTGGCAAAGATTACAGTATCTCCTTCTTTAACAGCATTAAAGAACATA[C>G]AACCACCCTGAAGGCCTGTGGAGGAAACAAAAAGACATCATTAAAAATTTATAGGATTGG-3'
Protein context (NP_060424.9, residues 546-566): TDPHPGLQGG[Cys556Ser]MFFNAVKEGD